The following is an entry in ClinVar:

ClinVar aggregate classification (germline): Uncertain significance (1 of 4 stars; one submission).

Conditions:
Inborn genetic diseases. Identifiers: MedGen C0950123, MeSH D030342.

Submission:

Ambry Genetics
Classification: Uncertain significance for Inborn genetic diseases. Last evaluated: 2025-06-06. Review status: criteria provided, single submitter. Criteria: Ambry Variant Classification Scheme 2023. Collection method: clinical testing. Allele origin: germline.
Comment: The c.464-10T>A intronic variant results from a T to A substitution 10 nucleotides upstream from coding exon 5 in the ETV6 gene. This nucleotide position is well conserved in available vertebrate species. In silico splice site analysis predicts that this alteration will weaken the native splice acceptor site and will result in the creation or strengthening of a novel splice acceptor site. RNA studies have demonstrated that this alteration results in a splice defect; the clinical impact of this abnormal splicing is unknown at this time (Ambry internal data). Based on the available evidence, the clinical significance of this variant remains unclear.

NM_001987.5(ETV6):c.464-10T>A

Gene: ETV6 (ETS variant transcription factor 6; plus strand). Cytogenetic location: 12p13.2.
Variant type: single nucleotide variant.
Coding change: c.464-10T>A on transcript NM_001987.5 (MANE Select); 10 bases into the intron before coding-DNA position 464, T replaced by A.
Molecular consequence: intron variant.
Genome position (GRCh38, 1-based): chr12:11,869,414, T>A. VCF-style: chr12-11869414-T-A. GRCh37 (hg19) VCF-style: chr12-12022348-T-A.
Other names: c.437-10T>A (NM_001413914.1); c.464-10T>A (NM_001413917.1, NM_001413916.1); c.461-10T>A (NM_001413913.1); c.200-10T>A (NM_001413915.1).
Identifiers: ClinVar variation 4020108 (VCV004020108.1).